The following is an entry in ClinVar:

ClinVar aggregate classification (germline): Uncertain significance (1 of 4 stars; one submission).

Submission:

Dasa
Classification: Uncertain significance. Last evaluated: 2025-05-20. Review status: criteria provided, single submitter. Criteria: DASA Assertion Criteria. Collection method: clinical testing. Allele origin: germline.
Comment: NM_001353345.2(SETD1B):c.3911-4G>A is a splice-region variant. This variant is absent from population databases. Computational prediction algorithms are consistent with a benign effect. The currently available literature and clinical evidence are not sufficient to establish a definitive association between this variant and the reported condition. Therefore, this variant is classified as a variant of uncertain significance.

NM_001353345.2(SETD1B):c.3911-4G>A

Gene: SETD1B (SET domain containing 1B, histone lysine methyltransferase; plus strand). Cytogenetic location: 12q24.31.
Variant type: single nucleotide variant.
Coding change: c.3911-4G>A on transcript NM_001353345.2 (MANE Select); 4 bases into the intron before coding-DNA position 3911, G replaced by A.
Molecular consequence: intron variant.
Genome position (GRCh38, 1-based): chr12:121,822,486, G>A. VCF-style: chr12-121822486-G-A. GRCh37 (hg19) VCF-style: chr12-122260392-G-A.
Identifiers: ClinVar variation 4882765 (VCV004882765.2).